The following is an entry in ClinVar:

NM_000234.3(LIG1):c.510C>A (p.Ala170=)

Gene: LIG1 (DNA ligase 1; minus strand). Cytogenetic location: 19q13.33.
Variant type: single nucleotide variant.
Coding change: c.510C>A on transcript NM_000234.3 (MANE Select); coding-DNA position 510, C replaced by A.
Protein change: p.Ala170=; no amino-acid change (alanine 170 retained).
Molecular consequence: synonymous variant. On other transcripts: non-coding transcript variant (6), intron variant (1).
Genome position (GRCh38, 1-based): chr19:48,151,296, G>T on the plus strand (C>A on the coding strand, the complement: LIG1 is on the minus strand). VCF-style: chr19-48151296-G-T. GRCh37 (hg19) VCF-style: chr19-48654553-G-T.
Other names: p.Ala170=; c.417C>A, p.Ala139= (NM_001289063.2); c.507C>A, p.Ala169= (NM_001320970.2); c.420C>A, p.Ala140= (NM_001320971.2); c.371-1086C>A (NM_001289064.2).
Identifiers: ClinVar variation 403037 (VCV000403037.16), dbSNP rs20580, ClinGen allele CA9547259.

ClinVar aggregate classification (germline): Benign. Review status: criteria provided, multiple submitters, no conflicts (2 of 4 stars). 5 submissions from 5 submitters: Benign (5). Last evaluated 2026-02-04.

Allele frequency attached by ClinVar (database versions not stated): ExAC 0.48750; gnomAD exomes 0.48770 and 0.48826; gnomAD 0.50346 and 0.50510; TOPMed 0.50460; ESP Exome Variant Server 0.50661; 1000 Genomes Project 30x 0.52936; 1000 Genomes Project 0.53295.

Submissions (5):

Labcorp Genetics (formerly Invitae), Labcorp
Classification: Benign. Last evaluated: 2026-02-04. Review status: criteria provided, single submitter. Criteria: Invitae Variant Classification Sherloc (09022015). Collection method: clinical testing. Allele origin: germline.

Unidad de Genómica Garrahan, Hospital de Pediatría Garrahan
Classification: Benign. Last evaluated: 2023-11-12. Review status: criteria provided, single submitter. Criteria: ACMG Guidelines, 2015. Collection method: clinical testing. Allele origin: germline. Affected: no. Observed: 69 variant alleles.
Comment: This variant is classified as Benign based on local population frequency. This variant was detected in 72% of patients studied by a panel of primary immunodeficiencies. Number of patients: 69. Only high quality variants are reported.

Mayo Clinic Laboratories, Mayo Clinic
Classification: Benign. Last evaluated: 2022-09-06. Review status: criteria provided, single submitter. Criteria: ACMG Guidelines, 2015. Collection method: clinical testing. Allele origin: germline. Observed: 30 variant alleles.

Laboratory for Molecular Medicine, Mass General Brigham Personalized Medicine
Classification: Benign. Last evaluated: 2016-03-28. Review status: criteria provided, single submitter. Criteria: LMM Criteria. Collection method: clinical testing. Allele origin: germline.
Comment: Variant identified in a genome or exome case(s) and assessed due to predicted null impact of the variant or pathogenic assertions in the literature or databases. Disclaimer: This variant has not undergone full assessment. The following are preliminary notes: Frequency

Breakthrough Genomics
Classification: Benign. Review status: criteria provided, single submitter. Criteria: ACMG Guidelines, 2015. Collection method: not provided. Allele origin: germline. Inheritance: Autosomal recessive inheritance. Affected: yes.